The following is an entry in ClinVar:

NM_001042492.3(NF1):c.7001G>C (p.Gly2334Ala)

Gene: NF1 (neurofibromin 1; plus strand). Cytogenetic location: 17q11.2.
Variant type: single nucleotide variant.
Coding change: c.7001G>C on transcript NM_001042492.3 (MANE Select); coding-DNA position 7001, G replaced by C.
Protein change: p.Gly2334Ala; replaces glycine 2334 with alanine.
Molecular consequence: missense variant.
Genome position (GRCh38, 1-based): chr17:31,340,584, G>C. VCF-style: chr17-31340584-G-C. GRCh37 (hg19) VCF-style: chr17-29667602-G-C.
Other names: c.6938G>C, p.Gly2313Ala (NM_000267.4); short protein forms G2334A, G2313A.
Identifiers: ClinVar variation 4028330 (VCV004028330.1).

ClinVar aggregate classification (germline): Uncertain significance (1 of 4 stars; one submission).

Conditions:
Cardiovascular phenotype. Identifiers: MedGen CN230736.
Hereditary cancer-predisposing syndrome. Also called: Tumor predisposition; Hereditary neoplastic syndrome; Neoplastic Syndromes, Hereditary; Hereditary Cancer Syndrome. Identifiers: Orphanet 140162, MedGen C0027672, MeSH D009386, MONDO:0015356.

gnomAD v4.1: 1 of 1,614,084 alleles (0.000062%); highest among the groups gnomAD compares: Non-Finnish European, 0.000085%; no homozygotes.

Submission:

Ambry Genetics
Classification: Uncertain significance for Cardiovascular phenotype; Hereditary cancer-predisposing syndrome. Last evaluated: 2025-05-09. Review status: criteria provided, single submitter. Criteria: Ambry Variant Classification Scheme 2023. Collection method: clinical testing. Allele origin: germline.
Comment: The p.G2313A variant (also known as c.6938G>C), located in coding exon 46 of the NF1 gene, results from a G to C substitution at nucleotide position 6938. The glycine at codon 2313 is replaced by alanine, an amino acid with similar properties. This amino acid position is conserved. In addition, the in silico prediction for this alteration is inconclusive. Based on the available evidence, the clinical significance of this variant remains unclear.